The following is an entry in ClinVar:

NM_000038.6(APC):c.646-684T>C

Gene: APC (APC regulator of WNT signaling pathway; plus strand). Cytogenetic location: 5q22.2.
Variant type: single nucleotide variant.
Coding change: c.646-684T>C on transcript NM_000038.6 (MANE Select); 684 bases into the intron before coding-DNA position 646, T replaced by C.
Molecular consequence: intron variant.
Genome position (GRCh38, 1-based): chr5:112,791,762, T>C. VCF-style: chr5-112791762-T-C. GRCh37 (hg19) VCF-style: chr5-112127459-T-C.
Other names: c.646-684T>C (NM_001354895.2, NM_001127510.3, NM_001354896.2 and 1 more transcripts); c.676-684T>C (NM_001354897.2, NM_001354902.2); c.676-9517T>C (NM_001127511.3); c.571-684T>C (NM_001354898.2, NM_001354904.2); c.-390-684T>C (NM_001354906.2); c.646-9517T>C (NM_001354899.2); c.469-684T>C (NM_001354900.2, NM_001354901.2, NM_001354905.2).
Identifiers: ClinVar variation 83002 (VCV000083002.2), dbSNP rs79890070, ClinGen allele CA012093.
Genomic context (GRCh38, chr5:112,791,762, plus strand): 5'-CCCTTTACTGGTATACTATGTTTATATAAATTTATTATATTGTATTAATGTCTCGATTAA[T>C]ATAAAAGATTAAATGCAGGTGTAATTTTCTCTTTGTTGAAATATTTTTTGAGAATAAATT-3'

ClinVar aggregate classification (germline): other (0 of 4 stars; one submission).

Conditions:
Familial colorectal cancer. Identifiers: MedGen CN280943, MONDO:0023113. Disease mechanism: loss of function.

Submission:

Systems Biology Platform Zhejiang California International NanoSystems Institute
Classification: other for Familial colorectal cancer. Review status: no assertion criteria provided. Collection method: not provided. Allele origin: unknown.
ClinVar note: Converted during submission from cancer to other.